The following is an entry in ClinVar:

ClinVar aggregate classification (germline): Conflicting classifications of pathogenicity. Review status: criteria provided, conflicting classifications (1 of 4 stars). 3 submissions from 3 submitters: Uncertain significance (2); Likely benign (1). Last evaluated 2025-04-22.

Conditions:
Inborn genetic diseases. Identifiers: MedGen C0950123, MeSH D030342.

Allele frequency attached by ClinVar (database versions not stated): gnomAD 0.00001; gnomAD exomes 0.00001; ExAC 0.00005; 1000 Genomes Project 30x 0.00016; 1000 Genomes Project 0.00020.
gnomAD v4.1: 16 of 1,606,594 alleles (0.001%); highest among the groups gnomAD compares: South Asian, 0.018%; no homozygotes.

Submissions (3):

Labcorp Genetics (formerly Invitae), Labcorp
Classification: Uncertain significance. Last evaluated: 2025-04-22. Review status: criteria provided, single submitter. Criteria: Invitae Variant Classification Sherloc (09022015). Collection method: clinical testing. Allele origin: germline.
Comment: This sequence change replaces lysine, which is basic and polar, with arginine, which is basic and polar, at codon 452 of the REST protein (p.Lys452Arg). This variant is present in population databases (rs555004124, gnomAD 0.04%). This variant has not been reported in the literature in individuals affected with REST-related conditions. ClinVar contains an entry for this variant (Variation ID: 2654774). An algorithm developed to predict the effect of missense changes on protein structure and function outputs the following: PolyPhen-2: "Possibly Damaging". The arginine amino acid residue is found in multiple mammalian species, which suggests that this missense change does not adversely affect protein function. In summary, the available evidence is currently insufficient to determine the role of this variant in disease. Therefore, it has been classified as a Variant of Uncertain Significance.

Ambry Genetics
Classification: Uncertain significance for Inborn genetic diseases. Last evaluated: 2024-04-08. Review status: criteria provided, single submitter. Criteria: Ambry Variant Classification Scheme 2023. Collection method: clinical testing. Allele origin: germline.

CeGaT Center for Human Genetics Tuebingen
Classification: Likely benign. Last evaluated: 2023-08-01. Review status: criteria provided, single submitter. Criteria: CeGaT Center For Human Genetics Tuebingen Variant Classification Criteria Version 2. Collection method: clinical testing. Allele origin: germline. Affected: yes. Observed: 1 variant allele.
Comment: REST: BP4, BP5

NM_005612.5(REST):c.1355A>G (p.Lys452Arg)

Gene: REST (RE1 silencing transcription factor; plus strand). Cytogenetic location: 4q12.
Variant type: single nucleotide variant.
Coding change: c.1355A>G on transcript NM_005612.5 (MANE Select); coding-DNA position 1355, A replaced by G.
Protein change: p.Lys452Arg; replaces lysine 452 with arginine.
Molecular consequence: missense variant.
Genome position (GRCh38, 1-based): chr4:56,930,213, A>G. VCF-style: chr4-56930213-A-G. GRCh37 (hg19) VCF-style: chr4-57796379-A-G.
Other names: c.1355A>G, p.Lys452Arg (NM_001193508.2, NM_001363453.3); short protein forms K452R.
Identifiers: ClinVar variation 2654774 (VCV002654774.27), dbSNP rs555004124, ClinGen allele CA2932252.